The following is an entry in ClinVar:

NM_000255.4(MMUT):c.2179C>T (p.Arg727Ter)

Gene: MMUT (methylmalonyl-CoA mutase; minus strand). Cytogenetic location: 6p12.3.
Variant type: single nucleotide variant.
Coding change: c.2179C>T on transcript NM_000255.4 (MANE Select); coding-DNA position 2179, C replaced by T.
Protein change: p.Arg727Ter; replaces arginine 727 with a stop codon.
Molecular consequence: nonsense.
Genome position (GRCh38, 1-based): chr6:49,431,802, G>A on the plus strand (C>T on the coding strand, the complement: MMUT is on the minus strand). VCF-style: chr6-49431802-G-A. GRCh37 (hg19) VCF-style: chr6-49399515-G-A.
Other names: short protein forms R727*.
Identifiers: ClinVar variation 218998 (VCV000218998.81), dbSNP rs779990936, ClinGen allele CA347913.

ClinVar aggregate classification (germline): Pathogenic. Review status: criteria provided, multiple submitters, no conflicts (2 of 4 stars). 13 submissions from 13 submitters: Pathogenic (11). 2 of the submissions do not count toward it. Last evaluated 2025-12-01.

Conditions:
Methylmalonic aciduria due to complete methylmalonyl-CoA mutase deficiency.
Methylmalonic aciduria due to methylmalonyl-CoA mutase deficiency (MAMM). Also called: Methylmalonic aciduria, mut type. Identifiers: Orphanet 27, MedGen C1855114, MONDO:0009612, OMIM 251000.
Methylmalonic acidemia (MMA). Also called: Isolated Methylmalonic Acidemia. Identifiers: MedGen C0268583, MeSH C537358, MONDO:0002012, HP:0002912.
Abnormality of metabolism/homeostasis. Identifiers: MedGen C4021768, HP:0001939.

Allele frequency attached by ClinVar (database versions not stated): gnomAD 0.00001 and 0.00002; TOPMed 0.00001; ExAC 0.00002; gnomAD exomes 0.00002 and 0.00003.
gnomAD v4.1: 29 of 1,613,668 alleles (0.0018%); highest among the groups gnomAD compares: East Asian, 0.027%; no homozygotes.

Submissions (13):

Intergen Genetics and Rare Diseases Diagnosis Center
Classification: Pathogenic for Methylmalonic aciduria due to methylmalonyl-CoA mutase deficiency. Last evaluated: 2025-12-01. Review status: criteria provided, single submitter. Criteria: ACMG Guidelines, 2015. Collection method: clinical testing. Allele origin: germline. Inheritance: Autosomal recessive inheritance. Affected: yes. Observed: 1 homozygote.
Comment: PM3, PVS1, PM2

Natera, Inc.
Classification: Pathogenic for Methylmalonic aciduria due to complete methylmalonyl-CoA mutase deficiency. Last evaluated: 2025-09-14. Review status: criteria provided, single submitter. Criteria: Natera Variant Classification Schema (03/2026). Collection method: clinical testing. Allele origin: germline.
Comment: The c.2179C>T variant in MMUT is a nonsense variant predicted to introduce a stop codon at amino acid 727. This variant is expected to result in nonsense mediated decay, truncation, or a dysfunctional protein product. This variant is rare in the general population with a frequency below the threshold expected for the associated phenotype(s). This variant has been observed in one or more individuals affected with the associated recessive disease, as either homozygous or compound heterozygous with a second variant (PMID: 27167370). Given the available evidence, this variant is classified as Pathogenic.

3billion
Classification: Pathogenic for Methylmalonic aciduria due to methylmalonyl-CoA mutase deficiency. Last evaluated: 2025-05-21. Review status: criteria provided, single submitter. Criteria: ACMG Guidelines, 2015. Collection method: clinical testing. Allele origin: germline. Affected: yes.
Comment: The variant is observed at an extremely low frequency in the gnomAD v4.1.0 dataset (total allele frequency: 0.002%). Predicted Consequence/Location: Stop-gained (nonsense): predicted to result in a loss or disruption of normal protein function through protein truncation. The predicted truncated protein may be shortened by less than 10%. The variant has been reported to be in trans with a pathogenic variant as either compound heterozygous or homozygous in at least one similarly affected unrelated individual (PMID: 17075691). The variant has been reported at least twice as pathogenic with clinical assertions and evidence for the classification (ClinVar ID: VCV000218998 /PMID: 16281286 /3billion dataset). Therefore, this variant is classified as Pathogenic according to the recommendation of ACMG/AMP guideline.

Labcorp Genetics (formerly Invitae), Labcorp
Classification: Pathogenic. Last evaluated: 2024-10-07. Review status: criteria provided, single submitter. Criteria: Invitae Variant Classification Sherloc (09022015). Collection method: clinical testing. Allele origin: germline.
Comment: This sequence change creates a premature translational stop signal (p.Arg727*) in the MUT gene. While this is not anticipated to result in nonsense mediated decay, it is expected to disrupt the last 24 amino acid(s) of the MUT protein. This variant is present in population databases (rs779990936, gnomAD 0.02%). This premature translational stop signal has been observed in individual(s) with methylmalonic acidemia (PMID: 16281286, 17075691, 17445044, 22727635, 26454439, 27489777). In at least one individual the data is consistent with being in trans (on the opposite chromosome) from a pathogenic variant. ClinVar contains an entry for this variant (Variation ID: 218998). Algorithms developed to predict the effect of sequence changes on RNA splicing suggest that this variant may disrupt the consensus splice site. For these reasons, this variant has been classified as Pathogenic.

Laboratory for Molecular Medicine, Mass General Brigham Personalized Medicine
Classification: Pathogenic for Methylmalonic acidemia. Last evaluated: 2022-06-30. Review status: criteria provided, single submitter. Criteria: ACMG Guidelines, 2015. Collection method: clinical testing. Allele origin: germline.
Comment: The p.Arg727X variant in MMUT has been reported, in the homozygous or compound heterozygous state, in several individuals affected with methylmalonic acidemia (Worgan 2006 PMID: 16281286, Oyama 2007 PMID: 17445044, Chu 2016 PMID: 27233228, Dündar 2012 PMID 22727635, Sakamoto 2007 PMID: 17075691, Han 2015 PMID: 26454439,Burlina 2016 PMID: 27489777). It has also been reported in ClinVar (Variation ID 218998) and it has been identified in 2/68004 European chromosomes by gnomADv. 3. This nonsense variant leads to a premature termination: codon at position 727. This alteration occurs within the last exon and is, therefore, likely to escape nonsense mediated decay (NMD) and result in a truncated protein. In summary, this variant meets criteria to be classified as pathogenic for autosomal recessive methylmalonic acidemia. ACMG/AMP Criteria applied: PM2_Supporting, PVS1_Strong, PM3_VeryStrong.

Fulgent Genetics
Classification: Pathogenic for Methylmalonic aciduria due to methylmalonyl-CoA mutase deficiency. Last evaluated: 2021-12-15. Review status: criteria provided, single submitter. Criteria: ACMG Guidelines, 2015. Collection method: clinical testing. Allele origin: unknown.

Kariminejad - Najmabadi Pathology & Genetics Center
Classification: Pathogenic for Abnormality of metabolism/homeostasis. Last evaluated: 2021-07-10. Review status: criteria provided, single submitter. Criteria: ACMG Guidelines, 2015. Collection method: clinical testing. Allele origin: germline.

CeGaT Center for Human Genetics Tuebingen
Classification: Pathogenic. Last evaluated: 2020-06-01. Review status: criteria provided, single submitter. Criteria: CeGaT Center For Human Genetics Tuebingen Variant Classification Criteria Version 2. Collection method: clinical testing. Allele origin: germline. Affected: yes. Observed: 1 variant allele.

Women's Health and Genetics/Laboratory Corporation of America, LabCorp
Classification: Pathogenic for Methylmalonic acidemia. Last evaluated: 2019-08-15. Review status: criteria provided, single submitter. Criteria: LabCorp Variant Classification Summary - May 2015. Collection method: clinical testing. Allele origin: germline.
Comment: Variant summary: MUT c.2179C>T (p.Arg727X) results in a premature termination codon, predicted to cause a truncation of the encoded protein or absence of the protein due to nonsense mediated decay, which are commonly known mechanisms for disease. A truncation downstream of this position have been classified as pathogenic by our laboratory. The variant allele was found at a frequency of 3.2e-05 in 251350 control chromosomes (gnomAD). c.2179C>T has been reported in the literature in multiple individuals affected with Methylmalonic Acidemia (Worgan_2006, Sakamoto_2007, Chu_2016). These data indicate that the variant is very likely to be associated with disease. To our knowledge, no experimental evidence demonstrating an impact on protein function has been reported. Four ClinVar submissions (evaluation after 2014) cites the variant as pathogenic. Based on the evidence outlined above, the variant was classified as pathogenic.

Eurofins Ntd Llc (ga)
Classification: Pathogenic. Last evaluated: 2015-09-15. Review status: criteria provided, single submitter. Criteria: EGL Classification Definitions 2015. Collection method: clinical testing. Allele origin: germline. Observed: 1 variant allele, 1 homozygote.

Juno Genomics, Hangzhou Juno Genomics, Inc
Classification: Pathogenic for Methylmalonic aciduria due to methylmalonyl-CoA mutase deficiency. Review status: criteria provided, single submitter. Criteria: ACMG Guidelines, 2015. Collection method: clinical testing. Allele origin: germline.
Comment: Absent from controls (or at extremely low frequency if recessive) in Genome Aggregation Database.;Null variant in a gene where loss of function (LOF) is a known mechanism of disease.;For recessive disorders, detected in trans with a pathogenic variant.;Patient's phenotype or family history is highly specific for a disease with a single genetic etiology.

Counsyl
Classification: Pathogenic for Methylmalonic aciduria due to methylmalonyl-CoA mutase deficiency. Last evaluated: 2017-07-25. Review status: no assertion criteria provided. Collection method: clinical testing. Allele origin: unknown. Not counted in ClinVar's aggregate classification.

GeneReviews
No classification provided. Condition: Methylmalonic aciduria due to methylmalonyl-CoA mutase deficiency. Review status: no classification provided. Collection method: literature only. Allele origin: germline. Affected: yes. Not counted in ClinVar's aggregate classification.
Comment: mut(0) enzymatic subtype when homozygous

Literature cited by the submitters: PubMed 27167370 (cited by Natera, Inc.); PubMed 16281286 (cited by 5 submitters); PubMed 17075691 (cited by 4 submitters); PubMed 17445044 (cited by Labcorp Genetics (formerly Invitae), Labcorp and Eurofins Ntd Llc (ga)); PubMed 22727635 (cited by Labcorp Genetics (formerly Invitae), Labcorp); PubMed 26454439 (cited by Labcorp Genetics (formerly Invitae), Labcorp); PubMed 27489777 (cited by Labcorp Genetics (formerly Invitae), Labcorp); PubMed 27233228 (cited by Women's Health and Genetics/Laboratory Corporation of America, LabCorp); PubMed 16490061 (cited by Counsyl); NCBI Bookshelf NBK1231 (cited by GeneReviews).